The following is an entry in ClinVar:

NM_001080467.3(MYO5B):c.1861A>G (p.Met621Val)

Gene: MYO5B (myosin VB; minus strand). Cytogenetic location: 18q21.1.
Variant type: single nucleotide variant.
Coding change: c.1861A>G on transcript NM_001080467.3 (MANE Select); coding-DNA position 1861, A replaced by G.
Protein change: p.Met621Val; replaces methionine 621 with valine.
Molecular consequence: missense variant.
Genome position (GRCh38, 1-based): chr18:49,937,289, T>C on the plus strand (A>G on the coding strand, the complement: MYO5B is on the minus strand). VCF-style: chr18-49937289-T-C. GRCh37 (hg19) VCF-style: chr18-47463659-T-C.
Other names: c.1861A>G (NM_001080467.2); short protein forms M621V.
Identifiers: ClinVar variation 1520414 (VCV001520414.6), dbSNP rs200891104, ClinGen allele CA8961347.

ClinVar aggregate classification (germline): Uncertain significance. Review status: criteria provided, multiple submitters, no conflicts (2 of 4 stars). 3 submissions from 3 submitters: Uncertain significance (3). Last evaluated 2026-01-05.

Conditions:
MYO5B-related disorder. Also called: MYO5B-related condition.
Inborn genetic diseases. Identifiers: MedGen C0950123, MeSH D030342.

Allele frequency attached by ClinVar (database versions not stated): gnomAD exomes 0.00012 and 0.00018; ExAC 0.00016; ESP Exome Variant Server 0.00033.
gnomAD v4.1: 269 of 1,614,020 alleles (0.017%); highest among the groups gnomAD compares: Non-Finnish European, 0.021%; no homozygotes.

Submissions (3):

PreventionGenetics, part of Exact Sciences
Classification: Uncertain significance for MYO5B-related condition. Last evaluated: 2026-01-05. Review status: criteria provided, single submitter. Criteria: ACMG Guidelines, 2015. Collection method: clinical testing. Allele origin: germline.
Comment: The MYO5B c.1861A>G variant is predicted to result in the amino acid substitution p.Met621Val. To our knowledge, this variant has not been reported in the literature. This variant is reported in 0.018% of alleles in individuals of European (Non-Finnish) descent in gnomAD. At this time, the clinical significance of this variant is uncertain due to the absence of conclusive functional and genetic evidence.

Ambry Genetics
Classification: Uncertain significance for Inborn genetic diseases. Last evaluated: 2023-05-31. Review status: criteria provided, single submitter. Criteria: Ambry Variant Classification Scheme 2023. Collection method: clinical testing. Allele origin: germline.

Labcorp Genetics (formerly Invitae), Labcorp
Classification: Uncertain significance. Last evaluated: 2022-08-02. Review status: criteria provided, single submitter. Criteria: Invitae Variant Classification Sherloc (09022015). Collection method: clinical testing. Allele origin: germline.
Comment: This sequence change replaces methionine, which is neutral and non-polar, with valine, which is neutral and non-polar, at codon 621 of the MYO5B protein (p.Met621Val). This variant is present in population databases (rs200891104, gnomAD 0.02%). This variant has not been reported in the literature in individuals affected with MYO5B-related conditions. ClinVar contains an entry for this variant (Variation ID: 1520414). Algorithms developed to predict the effect of missense changes on protein structure and function output the following: SIFT: "Tolerated"; PolyPhen-2: "Benign"; Align-GVGD: "Class C0". The valine amino acid residue is found in multiple mammalian species, which suggests that this missense change does not adversely affect protein function. In summary, the available evidence is currently insufficient to determine the role of this variant in disease. Therefore, it has been classified as a Variant of Uncertain Significance.